The following is an entry in ClinVar:

ClinVar aggregate classification (germline): Uncertain significance (1 of 4 stars; one submission).

Allele frequency attached by ClinVar (database versions not stated): gnomAD 0.00001; gnomAD exomes 0.00001 and 0.00003; ExAC 0.00002; TOPMed 0.00005.
gnomAD v4.1: 13 of 1,614,126 alleles (0.00081%); highest among the groups gnomAD compares: Admixed American, 0.017%; no homozygotes.

Submission:

Labcorp Genetics (formerly Invitae), Labcorp
Classification: Uncertain significance. Last evaluated: 2022-05-20. Review status: criteria provided, single submitter. Criteria: Invitae Variant Classification Sherloc (09022015). Collection method: clinical testing. Allele origin: germline.
Comment: This sequence change replaces alanine, which is neutral and non-polar, with valine, which is neutral and non-polar, at codon 549 of the EXTL3 protein (p.Ala549Val). This variant is present in population databases (rs750476711, gnomAD 0.02%). This variant has not been reported in the literature in individuals affected with EXTL3-related conditions. Algorithms developed to predict the effect of missense changes on protein structure and function output the following: SIFT: "Tolerated"; PolyPhen-2: "Benign"; Align-GVGD: "Class C0". The valine amino acid residue is found in multiple mammalian species, which suggests that this missense change does not adversely affect protein function. In summary, the available evidence is currently insufficient to determine the role of this variant in disease. Therefore, it has been classified as a Variant of Uncertain Significance.

NM_001440.4(EXTL3):c.1646C>T (p.Ala549Val)

Gene: EXTL3 (exostosin like glycosyltransferase 3; plus strand). Cytogenetic location: 8p21.1.
Variant type: single nucleotide variant.
Coding change: c.1646C>T on transcript NM_001440.4 (MANE Select); coding-DNA position 1646, C replaced by T.
Protein change: p.Ala549Val; replaces alanine 549 with valine.
Molecular consequence: missense variant.
Genome position (GRCh38, 1-based): chr8:28,717,705, C>T. VCF-style: chr8-28717705-C-T. GRCh37 (hg19) VCF-style: chr8-28575222-C-T.
Other names: short protein forms A549V.
Identifiers: ClinVar variation 1422561 (VCV001422561.3), dbSNP rs750476711, ClinGen allele CA4696257.
Genomic context (GRCh38, chr8:28,717,705, plus strand): 5'-CCGTGCTGGCTATGATTAGGACTCGCATCCAGATCCCAGCCGCTCCCATCCGGGAAGAGG[C>T]GGCAGCTGAGATCCCCCACCGTTCAGGCAAGGCGGCTGGAACTGACCCCAACATGGCTGA-3'
Protein context (NP_001431.1, residues 539-559): QIPAAPIREE[Ala549Val]AAEIPHRSGK